The following is an entry in ClinVar:

ClinVar aggregate classification (germline): Uncertain significance. Review status: criteria provided, multiple submitters, no conflicts (2 of 4 stars). 2 submissions from 2 submitters: Uncertain significance (2). Last evaluated 2026-02-05.

Conditions:
Microcephaly-thin corpus callosum-intellectual disability syndrome (NEDFCF). Also called: NEURODEVELOPMENTAL DISORDER WITH FEEDING DIFFICULTIES, THIN CORPUS CALLOSUM, AND FOOT DEFORMITY; Intellectual developmental disorder, autosomal recessive 40. Identifiers: Orphanet 397951, MedGen C3810080, MONDO:0014273, OMIM 615599.

Allele frequency attached by ClinVar (database versions not stated): ExAC 0.00002; gnomAD 0.00001; ESP Exome Variant Server 0.00008; gnomAD exomes 0.00003.
gnomAD v4.1: 48 of 1,614,018 alleles (0.003%); highest among the groups gnomAD compares: Admixed American, 0.005%; no homozygotes.

Submissions (2):

Dasa
Classification: Uncertain significance for Microcephaly-thin corpus callosum-intellectual disability syndrome. Last evaluated: 2026-02-05. Review status: criteria provided, single submitter. Criteria: DASA Assertion Criteria. Collection method: clinical testing. Allele origin: germline.
Comment: NM_003184.4(TAF2):c.731C>T (p.Ala244Val) is a missense variant that results in the substitution of alanine with valine. This variant is rare in population databases. The currently available literature and clinical evidence are not sufficient to establish a definitive association between this variant and the reported condition. Therefore, this variant is classified as a variant of uncertain significance.

Labcorp Genetics (formerly Invitae), Labcorp
Classification: Uncertain significance. Last evaluated: 2025-12-08. Review status: criteria provided, single submitter. Criteria: Invitae Variant Classification Sherloc (09022015). Collection method: clinical testing. Allele origin: germline.
Comment: This sequence change replaces alanine, which is neutral and non-polar, with valine, which is neutral and non-polar, at codon 244 of the TAF2 protein (p.Ala244Val). This variant is present in population databases (rs367888265, gnomAD 0.006%). This variant has not been reported in the literature in individuals affected with TAF2-related conditions. ClinVar contains an entry for this variant (Variation ID: 1958345). Invitae Evidence Modeling of protein sequence and biophysical properties (such as structural, functional, and spatial information, amino acid conservation, physicochemical variation, residue mobility, and thermodynamic stability) indicates that this missense variant is expected to disrupt TAF2 protein function with a positive predictive value of 80%. In summary, the available evidence is currently insufficient to determine the role of this variant in disease. Therefore, it has been classified as a Variant of Uncertain Significance.

NM_003184.4(TAF2):c.731C>T (p.Ala244Val)

Gene: TAF2 (TATA-box binding protein associated factor 2; minus strand). Cytogenetic location: 8q24.12.
Variant type: single nucleotide variant.
Coding change: c.731C>T on transcript NM_003184.4 (MANE Select); coding-DNA position 731, C replaced by T.
Protein change: p.Ala244Val; replaces alanine 244 with valine.
Molecular consequence: missense variant.
Genome position (GRCh38, 1-based): chr8:119,801,855, G>A on the plus strand (C>T on the coding strand, the complement: TAF2 is on the minus strand). VCF-style: chr8-119801855-G-A. GRCh37 (hg19) VCF-style: chr8-120814095-G-A.
Other names: short protein forms A244V.
Identifiers: ClinVar variation 1958345 (VCV001958345.7), dbSNP rs367888265, ClinGen allele CA4857501.